The following is an entry in ClinVar:

NM_198576.4(AGRN):c.4476C>T (p.Asp1492=)

Gene: AGRN (agrin; plus strand). Cytogenetic location: 1p36.33.
Variant type: single nucleotide variant.
Coding change: c.4476C>T on transcript NM_198576.4 (MANE Select); coding-DNA position 4476, C replaced by T.
Protein change: p.Asp1492=; no amino-acid change (aspartic acid 1492 retained).
Molecular consequence: synonymous variant.
Genome position (GRCh38, 1-based): chr1:1,049,413, C>T. VCF-style: chr1-1049413-C-T. GRCh37 (hg19) VCF-style: chr1-984793-C-T.
Other names: c.4161C>T, p.Asp1387= (NM_001364727.2); c.4476C>T, p.Asp1492= (NM_001305275.2).
Identifiers: ClinVar variation 1156526 (VCV001156526.11), dbSNP rs764644357, ClinGen allele CA509469.

ClinVar aggregate classification (germline): Conflicting classifications of pathogenicity. Review status: criteria provided, conflicting classifications (1 of 4 stars). 2 submissions from 2 submitters: Uncertain significance (1); Likely benign (1). Last evaluated 2025-08-18.

Conditions:
Congenital myasthenic syndrome 8. Also called: MYASTHENIC SYNDROME, CONGENITAL, DUE TO AGRIN DEFICIENCY; Myasthenic syndrome, congenital, 8, with pre- and postsynaptic defects. Identifiers: Orphanet 590, MedGen C3808739, MONDO:0014052, OMIM 615120.

Allele frequency attached by ClinVar (database versions not stated): ExAC 0.00002; gnomAD 0.00004; gnomAD exomes 0.00005; TOPMed 0.00008.
gnomAD v4.1: 60 of 1,599,078 alleles (0.0038%); highest among the groups gnomAD compares: Middle Eastern, 0.099%; no homozygotes.

Submissions (2):

Labcorp Genetics (formerly Invitae), Labcorp
Classification: Likely benign for Congenital myasthenic syndrome 8. Last evaluated: 2025-08-18. Review status: criteria provided, single submitter. Criteria: Invitae Variant Classification Sherloc (09022015). Collection method: clinical testing. Allele origin: germline.

Laboratorio de Genetica e Diagnostico Molecular, Hospital Israelita Albert Einstein
Classification: Uncertain significance. Last evaluated: 2019-09-17. Review status: criteria provided, single submitter. Criteria: ACMG Guidelines, 2015. Collection method: clinical testing. Allele origin: germline. Affected: yes.
Comment: ACMG classification criteria: PM2